The following is an entry in ClinVar:

NM_004415.4(DSP):c.1266+215G>T

Gene: DSP (desmoplakin; plus strand). Cytogenetic location: 6p24.3.
Variant type: single nucleotide variant.
Coding change: c.1266+215G>T on transcript NM_004415.4 (MANE Select); 215 bases into the intron after coding-DNA position 1266, G replaced by T.
Molecular consequence: intron variant.
Genome position (GRCh38, 1-based): chr6:7,568,121, G>T. VCF-style: chr6-7568121-G-T. GRCh37 (hg19) VCF-style: chr6-7568354-G-T.
Other names: c.1266+215G>T (NM_001319034.2, NM_001008844.3).
Identifiers: ClinVar variation 672132 (VCV000672132.1), dbSNP rs2076297, ClinGen allele CA12364936.
Genomic context (GRCh38, chr6:7,568,121, plus strand): 5'-TTAACTTCTTTACATGCCCAACTACTCTTGACAGTTACTTTTGCTTCAGTCTGGGCAATT[G>T]GTTGAAAATAAGAACAGAGAGAACATTACTTCACATGACAATTCCTTTGGGAACGCATAC-3'

ClinVar aggregate classification (germline): Benign (1 of 4 stars; one submission).

Allele frequency attached by ClinVar (database versions not stated): gnomAD 0.76576; 1000 Genomes Project 30x 0.77186; 1000 Genomes Project 0.77296; TOPMed 0.78564.
gnomAD v4.1: 117,945 of 152,146 alleles (78%); highest among the groups gnomAD compares: East Asian, 81%; 45,864 homozygotes.

Submission:

GeneDx
Classification: Benign. Last evaluated: 2018-06-13. Review status: criteria provided, single submitter. Criteria: GeneDx Variant Classification (06012015). Collection method: clinical testing. Allele origin: germline. Affected: yes.
Comment: This variant is considered likely benign or benign based on one or more of the following criteria: it is a conservative change, it occurs at a poorly conserved position in the protein, it is predicted to be benign by multiple in silico algorithms, and/or has population frequency not consistent with disease.